The following is an entry in ClinVar:

ClinVar aggregate classification (germline): Likely benign. Review status: criteria provided, multiple submitters, no conflicts (2 of 4 stars). 3 submissions from 3 submitters: Likely benign (2). 1 of the submissions does not count toward it. Last evaluated 2026-08-01.

Conditions:
SIN3B-related disorder. Also called: SIN3B-related condition.

Allele frequency attached by ClinVar (database versions not stated): gnomAD 0.00003; TOPMed 0.00015.
gnomAD v4.1: 163 of 1,608,070 alleles (0.01%); highest among the groups gnomAD compares: Admixed American, 0.15%; 2 homozygotes.

Submissions (3):

CeGaT Center for Human Genetics Tuebingen
Classification: Likely benign. Last evaluated: 2026-08-01. Review status: criteria provided, single submitter. Criteria: CeGaT Center For Human Genetics Tuebingen Variant Classification Criteria Version 2. Collection method: clinical testing. Allele origin: germline. Affected: yes. Observed: 1 variant allele.
Comment: SIN3B: BP4, BP7

Breakthrough Genomics
Classification: Likely benign. Review status: criteria provided, single submitter. Criteria: ACMG Guidelines, 2015. Collection method: not provided. Allele origin: germline. Inheritance: Unknown mechanism. Affected: yes.

PreventionGenetics, part of Exact Sciences
Classification: Likely benign for SIN3B-related condition. Last evaluated: 2020-02-14. Review status: no assertion criteria provided. Collection method: clinical testing. Allele origin: germline. Not counted in ClinVar's aggregate classification.
Comment: This variant is classified as likely benign based on ACMG/AMP sequence variant interpretation guidelines (Richards et al. 2015 PMID: 25741868, with internal and published modifications).

NM_001297595.2(SIN3B):c.759C>T (p.Ser253=)

Gene: SIN3B (SIN3 transcription regulator family member B; plus strand). Cytogenetic location: 19p13.11.
Variant type: single nucleotide variant.
Coding change: c.759C>T on transcript NM_001297595.2 (MANE Select); coding-DNA position 759, C replaced by T.
Protein change: p.Ser253=; no amino-acid change (serine 253 retained).
Molecular consequence: synonymous variant.
Genome position (GRCh38, 1-based): chr19:16,851,444, C>T. VCF-style: chr19-16851444-C-T. GRCh37 (hg19) VCF-style: chr19-16962255-C-T.
Other names: c.759C>T, p.Ser253= (NM_015260.4).
Identifiers: ClinVar variation 3052153 (VCV003052153.4), dbSNP rs773875029, ClinGen allele CA9282931.